The following is an entry in ClinVar:

ClinVar aggregate classification (germline): Benign (1 of 4 stars; one submission).

Allele frequency attached by ClinVar (database versions not stated): gnomAD 0.10180 and 0.10221; TOPMed 0.10904; 1000 Genomes Project 0.13518.

Submission:

GeneDx
Classification: Benign. Last evaluated: 2018-06-15. Review status: criteria provided, single submitter. Criteria: GeneDx Variant Classification (06012015). Collection method: clinical testing. Allele origin: germline. Affected: yes.
Comment: This variant is considered likely benign or benign based on one or more of the following criteria: it is a conservative change, it occurs at a poorly conserved position in the protein, it is predicted to be benign by multiple in silico algorithms, and/or has population frequency not consistent with disease.

NM_001267550.2(TTN):c.30682+288dup

Gene: TTN (titin; minus strand). Cytogenetic location: 2q31.2.
Variant type: Duplication.
Coding change: c.30682+288dup on transcript NM_001267550.2 (MANE Select); 288 bases into the intron after coding-DNA position 30682, one base duplicated (A; older notation c.30682+288dupA).
Molecular consequence: intron variant.
Genome position (GRCh38, 1-based): chr2:178,700,832, T duplicated on the plus strand (A on the coding strand, the reverse complement: TTN is on the minus strand). VCF-style (leftmost placement, unchanged base first): chr2-178700831-G-GT. GRCh37 (hg19) VCF-style: chr2-179565558-G-GT.
Other names: c.13282+37250dup (NM_003319.4); c.13858+37250dup (NM_133437.4); c.13657+37250dup (NM_133432.3); c.26950+288dup (NM_133378.4); c.29731+288dup (NM_001256850.1); c.29731+288dupA (NM_001256850.1).
Identifiers: ClinVar variation 680835 (VCV000680835.1), dbSNP rs141526230, ClinGen allele CA60995243.